The following is an entry in ClinVar:

NM_001035.3(RYR2):c.10255T>C (p.Phe3419Leu)

Gene: RYR2 (ryanodine receptor 2; plus strand). Cytogenetic location: 1q43.
Variant type: single nucleotide variant.
Coding change: c.10255T>C on transcript NM_001035.3 (MANE Select); coding-DNA position 10255, T replaced by C.
Protein change: p.Phe3419Leu; replaces phenylalanine 3419 with leucine.
Molecular consequence: missense variant.
Genome position (GRCh38, 1-based): chr1:237,711,769, T>C. VCF-style: chr1-237711769-T-C. GRCh37 (hg19) VCF-style: chr1-237875069-T-C.
Other names: short protein forms F3419L.
Identifiers: ClinVar variation 846863 (VCV000846863.2), dbSNP rs1405655091, ClinGen allele CA345412515.

ClinVar aggregate classification (germline): Uncertain significance (1 of 4 stars; one submission).

Conditions:
Catecholaminergic polymorphic ventricular tachycardia (CVPT). Also called: Catecholamine-induced polymorphic ventricular tachycardia. Identifiers: Orphanet 3286, MedGen C5574922, MONDO:0017990.

Allele frequency attached by ClinVar (database versions not stated): gnomAD exomes below 0.00001.
gnomAD v4.1: 1 of 1,586,762 alleles (0.000063%); highest among the groups gnomAD compares: South Asian, 0.0011%; no homozygotes.

Submission:

Labcorp Genetics (formerly Invitae), Labcorp
Classification: Uncertain significance for Catecholaminergic polymorphic ventricular tachycardia. Last evaluated: 2019-03-08. Review status: criteria provided, single submitter. Criteria: Invitae Variant Classification Sherloc (09022015). Collection method: clinical testing. Allele origin: germline.
Comment: This sequence change replaces phenylalanine with leucine at codon 3419 of the RYR2 protein (p.Phe3419Leu). The phenylalanine residue is highly conserved and there is a small physicochemical difference between phenylalanine and leucine. This variant is not present in population databases (ExAC no frequency). This variant has not been reported in the literature in individuals with RYR2-related conditions. Algorithms developed to predict the effect of missense changes on protein structure and function are either unavailable or do not agree on the potential impact of this missense change (SIFT: "Deleterious"; PolyPhen-2: "Possibly Damaging"; Align-GVGD: "Class C15"). In summary, the available evidence is currently insufficient to determine the role of this variant in disease. Therefore, it has been classified as a Variant of Uncertain Significance.